The following is an entry in ClinVar:

ClinVar aggregate classification (germline): Uncertain significance (1 of 4 stars; one submission).

Conditions:
Hereditary cancer-predisposing syndrome. Also called: Neoplastic Syndromes, Hereditary; Tumor predisposition; Hereditary Cancer Syndrome; Hereditary neoplastic syndrome. Identifiers: Orphanet 140162, MedGen C0027672, MeSH D009386, MONDO:0015356.

Submission:

Ambry Genetics
Classification: Uncertain significance for Hereditary cancer-predisposing syndrome. Last evaluated: 2019-12-24. Review status: criteria provided, single submitter. Criteria: Ambry Variant Classification Scheme 2023. Collection method: clinical testing. Allele origin: germline.
Comment: The p.D35G variant (also known as c.104A>G), located in coding exon 2 of the RAD51D gene, results from an A to G substitution at nucleotide position 104. The aspartic acid at codon 35 is replaced by glycine, an amino acid with similar properties. This amino acid position is well conserved in available vertebrate species. In addition, the in silico prediction for this alteration is inconclusive. Since supporting evidence is limited at this time, the clinical significance of this alteration remains unclear.

NM_002878.4(RAD51D):c.104A>G (p.Asp35Gly)

Genes: RAD51D (RAD51 paralog D; minus strand), RAD51L3-RFFL (RAD51L3-RFFL readthrough; minus strand). Cytogenetic location: 17q12.
Variant type: single nucleotide variant.
Coding change: c.104A>G on transcript NM_002878.4 (MANE Select); coding-DNA position 104, A replaced by G.
Protein change: p.Asp35Gly; replaces aspartic acid 35 with glycine.
Molecular consequence: missense variant. On other transcripts: non-coding transcript variant (2).
Genome position (GRCh38, 1-based): chr17:35,119,151, T>C on the plus strand (A>G on the coding strand, the complement: RAD51D is on the minus strand). VCF-style: chr17-35119151-T-C. GRCh37 (hg19) VCF-style: chr17-33446170-T-C.
Other names: c.104A>G, p.Asp35Gly (NM_001142571.2, NM_133629.3); short protein forms D35G.
Identifiers: ClinVar variation 1776486 (VCV001776486.2), dbSNP rs2091788848, ClinGen allele CA399091945.